The following is an entry in ClinVar:

NM_000093.5(COL5A1):c.460C>T (p.Leu154Phe)

Gene: COL5A1 (collagen type V alpha 1 chain; plus strand). Cytogenetic location: 9q34.3.
Variant type: single nucleotide variant.
Coding change: c.460C>T on transcript NM_000093.5 (MANE Select); coding-DNA position 460, C replaced by T.
Protein change: p.Leu154Phe; replaces leucine 154 with phenylalanine.
Molecular consequence: missense variant.
Genome position (GRCh38, 1-based): chr9:134,700,091, C>T. VCF-style: chr9-134700091-C-T. GRCh37 (hg19) VCF-style: chr9-137591937-C-T.
Other names: c.460C>T, p.Leu154Phe (NM_001278074.1); short protein forms L154F.
Identifiers: ClinVar variation 459698 (VCV000459698.10), dbSNP rs1554781521, ClinGen allele CA375443119.

ClinVar aggregate classification (germline): Uncertain significance (1 of 4 stars; one submission).

Conditions:
Ehlers-Danlos syndrome, classic type, 1 (EDSCL1). Also called: EHLERS-DANLOS SYNDROME, GRAVIS TYPE; EHLERS-DANLOS SYNDROME, SEVERE CLASSIC TYPE; EDS I; Ehlers-Danlos Syndrome, Classic Type, COL5A1-Related; Ehlers-Danlos syndrome, type 1. Identifiers: MedGen C0268335, MONDO:0019567, OMIM 130000.

Allele frequency attached by ClinVar (database versions not stated): gnomAD 0.00001; TOPMed 0.00001; gnomAD exomes below 0.00001.

Submission:

Labcorp Genetics (formerly Invitae), Labcorp
Classification: Uncertain significance for Ehlers-Danlos syndrome, classic type, 1. Last evaluated: 2017-06-28. Review status: criteria provided, single submitter. Criteria: Invitae Variant Classification Sherloc (09022015). Collection method: clinical testing. Allele origin: germline.
Comment: This variant is not present in population databases (ExAC no frequency). In summary, the available evidence is currently insufficient to determine the role of this variant in disease. Therefore, it has been classified as a Variant of Uncertain Significance. Algorithms developed to predict the effect of missense changes on protein structure and function do not agree on the potential impact of this missense change (SIFT: "Deleterious"; PolyPhen-2: "Probably Damaging"; Align-GVGD: "Class C0"). This variant has not been reported in the literature in individuals with COL5A1-related disease. This sequence change replaces leucine with phenylalanine at codon 154 of the COL5A1 protein (p.Leu154Phe). The leucine residue is moderately conserved and there is a small physicochemical difference between leucine and phenylalanine.